The following is an entry in ClinVar:

NM_020533.3(MCOLN1):c.467C>T (p.Pro156Leu)

Gene: MCOLN1 (mucolipin TRP cation channel 1; plus strand). Cytogenetic location: 19p13.2.
Variant type: single nucleotide variant.
Coding change: c.467C>T on transcript NM_020533.3 (MANE Select); coding-DNA position 467, C replaced by T.
Protein change: p.Pro156Leu; replaces proline 156 with leucine.
Molecular consequence: missense variant.
Genome position (GRCh38, 1-based): chr19:7,526,822, C>T. VCF-style: chr19-7526822-C-T. GRCh37 (hg19) VCF-style: chr19-7591708-C-T.
Other names: short protein forms P156L.
Identifiers: ClinVar variation 969255 (VCV000969255.3), dbSNP rs539045232, ClinGen allele CA9138744.

ClinVar aggregate classification (germline): Uncertain significance (1 of 4 stars; one submission).

Conditions:
Mucolipidosis type IV (ML4). Also called: ML IV. Identifiers: Orphanet 578, MedGen C0238286, MONDO:0009653, OMIM 252650.

Allele frequency attached by ClinVar (database versions not stated): gnomAD below 0.00001 and 0.00003; ExAC 0.00007; gnomAD exomes 0.00007; 1000 Genomes Project 30x 0.00016; 1000 Genomes Project 0.00020.
gnomAD v4.1: 61 of 1,614,142 alleles (0.0038%); highest among the groups gnomAD compares: South Asian, 0.066%; no homozygotes.

Submission:

Labcorp Genetics (formerly Invitae), Labcorp
Classification: Uncertain significance for Mucolipidosis type IV. Last evaluated: 2021-09-02. Review status: criteria provided, single submitter. Criteria: Invitae Variant Classification Sherloc (09022015). Collection method: clinical testing. Allele origin: germline.
Comment: This sequence change replaces proline with leucine at codon 156 of the MCOLN1 protein (p.Pro156Leu). The proline residue is moderately conserved and there is a moderate physicochemical difference between proline and leucine. This variant is present in population databases (rs539045232, ExAC 0.05%). This variant has not been reported in the literature in individuals affected with MCOLN1-related conditions. Algorithms developed to predict the effect of missense changes on protein structure and function are either unavailable or do not agree on the potential impact of this missense change (SIFT: "Deleterious"; PolyPhen-2: "Probably Damaging"; Align-GVGD: "Class C0"). In summary, the available evidence is currently insufficient to determine the role of this variant in disease. Therefore, it has been classified as a Variant of Uncertain Significance.